The following is an entry in ClinVar:

ClinVar aggregate classification (germline): Uncertain significance (1 of 4 stars; one submission).

Submission:

Ambry Genetics
Classification: Uncertain significance. Last evaluated: 2024-06-18. Review status: criteria provided, single submitter. Criteria: Ambry Variant Classification Scheme 2023. Collection method: clinical testing. Allele origin: germline.
Comment: The p.A283S variant (also known as c.847G>T), located in coding exon 4 of the MNDA gene, results from a G to T substitution at nucleotide position 847. The alanine at codon 283 is replaced by serine, an amino acid with similar properties. This amino acid position is conserved. In addition, this alteration is predicted to be tolerated by in silico analysis. Based on the available evidence, the clinical significance of this variant remains unclear.

NM_002432.3(MNDA):c.847G>T (p.Ala283Ser)

Gene: MNDA (myeloid cell nuclear differentiation antigen; plus strand). Cytogenetic location: 1q23.1.
Variant type: single nucleotide variant.
Coding change: c.847G>T on transcript NM_002432.3 (MANE Select); coding-DNA position 847, G replaced by T.
Protein change: p.Ala283Ser; replaces alanine 283 with serine.
Molecular consequence: missense variant.
Genome position (GRCh38, 1-based): chr1:158,845,863, G>T. VCF-style: chr1-158845863-G-T. GRCh37 (hg19) VCF-style: chr1-158815653-G-T.
Other names: short protein forms A283S.
Identifiers: ClinVar variation 3295458 (VCV003295458.1).
Genomic context (GRCh38, chr1:158,845,863, plus strand): 5'-AAGAAGGTCATTACCATATCTGATTACTCTGAATGTAAAGGAGTAATGGAAATAAAGGAA[G>T]CATCATCTGTGTCTGACTTTAATCAAAATTTTGAGGTCCCAAACAGAATTATCGAAATAG-3'
Protein context (NP_002423.1, residues 273-293): ECKGVMEIKE[Ala283Ser]SSVSDFNQNF